The following is an entry in ClinVar:

NM_003742.4(ABCB11):c.763G>C (p.Gly255Arg)

Gene: ABCB11 (ATP binding cassette subfamily B member 11; minus strand). Cytogenetic location: 2q31.1.
Variant type: single nucleotide variant.
Coding change: c.763G>C on transcript NM_003742.4 (MANE Select); coding-DNA position 763, G replaced by C.
Protein change: p.Gly255Arg; replaces glycine 255 with arginine.
Molecular consequence: missense variant.
Genome position (GRCh38, 1-based): chr2:168,993,731, C>G on the plus strand (G>C on the coding strand, the complement: ABCB11 is on the minus strand). VCF-style: chr2-168993731-C-G. GRCh37 (hg19) VCF-style: chr2-169850241-C-G.
Other names: short protein forms G255R.
Identifiers: ClinVar variation 4846018 (VCV004846018.1).

ClinVar aggregate classification (germline): Uncertain significance (1 of 4 stars; one submission).

Conditions:
Familial intrahepatic cholestasis. Identifiers: Orphanet 284385, MedGen CN296401, MONDO:0017290.

Submission:

Genomenon, Inc
Classification: Uncertain significance for Familial intrahepatic cholestasis. Last evaluated: 2026-04-14. Review status: criteria provided, single submitter. Criteria: Genomenon Sequence Variant Interpretation Standards - Updated. Collection method: curation. Allele origin: germline. Affected: yes.
Comment: ABCB11 p.Gly255Arg (c.763G>C) is a missense variant that changes the amino acid at residue 255 from Glycine to Arginine. This variant has been observed in at least one proband with an ABCB11-related disorder (PMID:35780807). It is absent or not present at a significant frequency in gnomAD. In silico models predict that this variant is possibly or probably damaging. In conclusion, we classify ABCB11 p.Gly255Arg (c.763G>C) as a variant of uncertain significance.

Literature cited by the submitters: PubMed 35780807.